The following is an entry in ClinVar:

ClinVar aggregate classification (germline): Conflicting classifications of pathogenicity. Review status: criteria provided, conflicting classifications (1 of 4 stars). 6 submissions from 6 submitters: Likely pathogenic (2); Uncertain significance (3). 1 of the submissions does not count toward it. Last evaluated 2024-01-19.

Conditions:
Neuronal ceroid lipofuscinosis 7 (CLN7). Also called: MFSD8-Related Neuronal Ceroid-Lipofuscinosis. Identifiers: Orphanet 168491, Orphanet 228366, MedGen C1838571, MONDO:0012588, OMIM 610951.

gnomAD v4.1: 2 of 1,614,004 alleles (0.00012%); highest among the groups gnomAD compares: African/African-American, 0.0013%; no homozygotes.

Submissions (6):

Athena Diagnostics
Classification: Uncertain significance. Last evaluated: 2024-01-19. Review status: criteria provided, single submitter. Criteria: Athena Diagnostics Criteria. Collection method: clinical testing. Allele origin: unknown.
Comment: Available data are insufficient to determine the clinical significance of the variant at this time. At least one other missense variant at this codon is considered to be pathogenic or likely pathogenic, suggesting this variant may also cause disease. This variant has not been reported in large, multi-ethnic general populations. Computational tools predict that this variant is damaging.

Labcorp Genetics (formerly Invitae), Labcorp
Classification: Uncertain significance for Neuronal ceroid lipofuscinosis 7. Last evaluated: 2022-08-09. Review status: criteria provided, single submitter. Criteria: Invitae Variant Classification Sherloc (09022015). Collection method: clinical testing. Allele origin: germline.
Comment: This sequence change replaces arginine, which is basic and polar, with cysteine, which is neutral and slightly polar, at codon 139 of the MFSD8 protein (p.Arg139Cys). This variant is not present in population databases (gnomAD no frequency). This variant has not been reported in the literature in individuals affected with MFSD8-related conditions. ClinVar contains an entry for this variant (Variation ID: 1001570). Algorithms developed to predict the effect of missense changes on protein structure and function are either unavailable or do not agree on the potential impact of this missense change (SIFT: "Deleterious"; PolyPhen-2: "Probably Damaging"; Align-GVGD: "Class C0"). In summary, the available evidence is currently insufficient to determine the role of this variant in disease. Therefore, it has been classified as a Variant of Uncertain Significance.

Mendelics
Classification: Likely pathogenic for Neuronal ceroid lipofuscinosis 7. Last evaluated: 2022-05-04. Review status: criteria provided, single submitter. Criteria: Mendelics Assertion Criteria 2019. Collection method: clinical testing. Allele origin: germline.

Revvity Omics, Revvity
Classification: Uncertain significance. Last evaluated: 2021-02-08. Review status: criteria provided, single submitter. Criteria: ACMG Guidelines, 2015. Collection method: clinical testing. Allele origin: germline.

CeGaT Center for Human Genetics Tuebingen
Classification: Likely pathogenic. Last evaluated: 2021-01-01. Review status: criteria provided, single submitter. Criteria: CeGaT Center For Human Genetics Tuebingen Variant Classification Criteria Version 2. Collection method: clinical testing. Allele origin: germline. Affected: yes. Observed: 1 variant allele.

Inheritance Genetic Center
Classification: Likely pathogenic for Neuronal ceroid lipofuscinosis 7. Last evaluated: 2024-08-06. Review status: no assertion criteria provided. Collection method: clinical testing. Allele origin: germline. Inheritance: Autosomal recessive inheritance. Affected: yes. Observed: 1 homozygote. Not counted in ClinVar's aggregate classification.

Literature cited by the submitters: PubMed 15074367 (cited by Inheritance Genetic Center); PubMed 18850119 (cited by Inheritance Genetic Center).

NM_001371596.2(MFSD8):c.415C>T (p.Arg139Cys)

Gene: MFSD8 (major facilitator superfamily domain containing 8; minus strand). Cytogenetic location: 4q28.2.
Variant type: single nucleotide variant.
Coding change: c.415C>T on transcript NM_001371596.2 (MANE Select); coding-DNA position 415, C replaced by T.
Protein change: p.Arg139Cys; replaces arginine 139 with cysteine.
Molecular consequence: missense variant.
Genome position (GRCh38, 1-based): chr4:127,943,776, G>A on the plus strand (C>T on the coding strand, the complement: MFSD8 is on the minus strand). VCF-style: chr4-127943776-G-A. GRCh37 (hg19) VCF-style: chr4-128864931-G-A.
Other names: c.415C>T (NM_152778.2); c.415C>T, p.Arg139Cys (NM_001363520.3, NM_001363521.3, NM_001371591.2 and 5 more transcripts); c.280C>T, p.Arg94Cys (NM_001371590.2, NM_001371595.1, NM_001410765.1); short protein forms R139C, R94C.
Identifiers: ClinVar variation 1001570 (VCV001001570.48), dbSNP rs993001712, ClinGen allele CA105686936.
Genomic context (GRCh38, chr4:127,943,776, plus strand): 5'-AATATGACACAACCAAACATATACATACAACCTTACCTGCTCCAATTCCCAACAATCCAC[G>A]AGCAACCAGCATGTAGTATTTATTATGAGAAGCTGGGATGTGGAGATATGCATAGAGGCA-3'
Protein context (NP_001358525.1, residues 129-149): SHNKYYMLVA[Arg139Cys]GLLGIGAGNV